The following is an entry in ClinVar:

NM_012335.4(MYO1F):c.1494C>T (p.Ala498=)

Gene: MYO1F (myosin IF; minus strand). Cytogenetic location: 19p13.2.
Variant type: single nucleotide variant.
Coding change: c.1494C>T on transcript NM_012335.4 (MANE Select); coding-DNA position 1494, C replaced by T.
Protein change: p.Ala498=; no amino-acid change (alanine 498 retained).
Molecular consequence: synonymous variant.
Genome position (GRCh38, 1-based): chr19:8,544,327, G>A on the plus strand (C>T on the coding strand, the complement: MYO1F is on the minus strand). VCF-style: chr19-8544327-G-A. GRCh37 (hg19) VCF-style: chr19-8609211-G-A.
Other names: c.1482C>T, p.Ala494= (NM_001348355.2).
Identifiers: ClinVar variation 3034568 (VCV003034568.2), dbSNP rs374199180, ClinGen allele CA9159268.

ClinVar aggregate classification (germline): Likely benign (0 of 4 stars; one submission).

Conditions:
MYO1F-related disorder. Also called: MYO1F-related condition.

Allele frequency attached by ClinVar (database versions not stated): ExAC 0.00004; gnomAD exomes 0.00004; TOPMed 0.00004; gnomAD 0.00007; ESP Exome Variant Server 0.00008.
gnomAD v4.1: 63 of 1,612,980 alleles (0.0039%); highest among the groups gnomAD compares: Admixed American, 0.013%; no homozygotes.

Submission:

PreventionGenetics, part of Exact Sciences
Classification: Likely benign for MYO1F-related condition. Last evaluated: 2019-12-24. Review status: no assertion criteria provided. Collection method: clinical testing. Allele origin: germline.
Comment: This variant is classified as likely benign based on ACMG/AMP sequence variant interpretation guidelines (Richards et al. 2015 PMID: 25741868, with internal and published modifications).